The following is an entry in ClinVar:

NM_000051.4(ATM):c.8333A>C (p.Glu2778Ala)

Genes: ATM (ATM serine/threonine kinase; plus strand), C11orf65 (chromosome 11 open reading frame 65; minus strand). Cytogenetic location: 11q22.3.
Variant type: single nucleotide variant.
Coding change: c.8333A>C on transcript NM_000051.4 (MANE Select); coding-DNA position 8333, A replaced by C.
Protein change: p.Glu2778Ala; replaces glutamic acid 2778 with alanine.
Molecular consequence: missense variant. On other transcripts: intron variant (2).
Genome position (GRCh38, 1-based): chr11:108,343,286, A>C. VCF-style: chr11-108343286-A-C. GRCh37 (hg19) VCF-style: chr11-108214013-A-C.
Other names: c.8333A>C, p.Glu2778Ala (NM_001351834.2); c.641-34215T>G (NM_001330368.2); c.695-7994T>G (NM_001351110.2); short protein forms E2778A.
Identifiers: ClinVar variation 232483 (VCV000232483.21), dbSNP rs876659792, ClinGen allele CA10579296.

ClinVar aggregate classification (germline): Uncertain significance. Review status: criteria provided, multiple submitters, no conflicts (2 of 4 stars). 5 submissions from 5 submitters: Uncertain significance (5). Last evaluated 2025-04-13.

Conditions:
Familial cancer of breast. Also called: hereditary breast carcinoma; Hereditary breast cancer; BREAST CANCER, FAMILIAL. Identifiers: Orphanet 227535, MedGen C0346153, MONDO:0016419, OMIM 114480. Disease mechanism: loss of function.
Ataxia-telangiectasia syndrome (AT). Also called: Ataxia telangiectasia (A-T); Cerebello-oculocutaneous telangiectasia; Immunodeficiency with ataxia telangiectasia; LOUIS-BAR SYNDROME; AT, COMPLEMENTATION GROUP C; ATAXIA-TELANGIECTASIA, FRESNO VARIANT. Identifiers: Orphanet 100, MedGen C0004135, MONDO:0008840, OMIM 208900.
Hereditary cancer-predisposing syndrome. Also called: Neoplastic Syndromes, Hereditary; Hereditary neoplastic syndrome; Tumor predisposition; Hereditary Cancer Syndrome. Identifiers: Orphanet 140162, MedGen C0027672, MeSH D009386, MONDO:0015356.

Submissions (5):

Ambry Genetics
Classification: Uncertain significance for Hereditary cancer-predisposing syndrome. Last evaluated: 2025-04-13. Review status: criteria provided, single submitter. Criteria: Ambry Variant Classification Scheme 2023. Collection method: clinical testing. Allele origin: germline.
Comment: The p.E2778A variant (also known as c.8333A>C), located in coding exon 56 of the ATM gene, results from an A to C substitution at nucleotide position 8333. The glutamic acid at codon 2778 is replaced by alanine, an amino acid with dissimilar properties. This amino acid position is well conserved in available vertebrate species. In addition, the in silico prediction for this alteration is inconclusive. Based on the available evidence, the clinical significance of this variant remains unclear.

Labcorp Genetics (formerly Invitae), Labcorp
Classification: Uncertain significance for Ataxia-telangiectasia syndrome. Last evaluated: 2025-03-15. Review status: criteria provided, single submitter. Criteria: Invitae Variant Classification Sherloc (09022015). Collection method: clinical testing. Allele origin: germline.
Comment: This sequence change replaces glutamic acid, which is acidic and polar, with alanine, which is neutral and non-polar, at codon 2778 of the ATM protein (p.Glu2778Ala). This variant is not present in population databases (gnomAD no frequency). This variant has not been reported in the literature in individuals affected with ATM-related conditions. ClinVar contains an entry for this variant (Variation ID: 232483). Invitae Evidence Modeling of protein sequence and biophysical properties (such as structural, functional, and spatial information, amino acid conservation, physicochemical variation, residue mobility, and thermodynamic stability) has been performed for this missense variant. However, the output from this modeling did not meet the statistical confidence thresholds required to predict the impact of this variant on ATM protein function. In summary, the available evidence is currently insufficient to determine the role of this variant in disease. Therefore, it has been classified as a Variant of Uncertain Significance.

Fulgent Genetics
Classification: Uncertain significance for Familial cancer of breast; Ataxia-telangiectasia syndrome. Last evaluated: 2024-05-29. Review status: criteria provided, single submitter. Criteria: ACMG Guidelines, 2015. Collection method: clinical testing. Allele origin: germline.

Color Diagnostics, LLC DBA Color Health
Classification: Uncertain significance for Hereditary cancer-predisposing syndrome. Last evaluated: 2024-03-06. Review status: criteria provided, single submitter. Criteria: ACMG Guidelines, 2015. Collection method: clinical testing. Allele origin: germline.
Comment: This missense variant replaces glutamic acid with alanine at codon 2778 of the ATM protein. Computational prediction is inconclusive regarding the impact of this variant on protein structure and function (internally defined REVEL score threshold 0.5 < inconclusive < 0.7, PMID: 27666373). To our knowledge, functional studies have not been reported for this variant. This variant has not been reported in individuals affected with hereditary cancer in the literature. This variant has not been identified in the general population by the Genome Aggregation Database (gnomAD). The available evidence is insufficient to determine the role of this variant in disease conclusively. Therefore, this variant is classified as a Variant of Uncertain Significance.

GeneDx
Classification: Uncertain significance. Last evaluated: 2023-04-26. Review status: criteria provided, single submitter. Criteria: GeneDx Variant Classification Process June 2021. Collection method: clinical testing. Allele origin: germline. Affected: yes.
Comment: Not observed at significant frequency in large population cohorts (gnomAD); In silico analysis supports that this missense variant does not alter protein structure/function; Has not been previously published as pathogenic or benign to our knowledge; This variant is associated with the following publications: (PMID: 24782313, 23532176)